The following is an entry in ClinVar:

ClinVar aggregate classification (germline): Uncertain significance (1 of 4 stars; one submission).

gnomAD v4.1: 1 of 1,592,388 alleles (0.000063%); highest among the groups gnomAD compares: Non-Finnish European, 0.000086%; no homozygotes.

Submission:

Labcorp Genetics (formerly Invitae), Labcorp
Classification: Uncertain significance. Last evaluated: 2025-10-21. Review status: criteria provided, single submitter. Criteria: Invitae Variant Classification Sherloc (09022015). Collection method: clinical testing. Allele origin: germline.
Comment: This sequence change replaces glutamic acid, which is acidic and polar, with glutamine, which is neutral and polar, at codon 1381 of the ALPK3 protein (p.Glu1381Gln). This variant is present in population databases (no rsID available, gnomAD 0.001%). This variant has not been reported in the literature in individuals affected with ALPK3-related conditions. ClinVar contains an entry for this variant (Variation ID: 2836462). Invitae Evidence Modeling of protein sequence and biophysical properties (such as structural, functional, and spatial information, amino acid conservation, physicochemical variation, residue mobility, and thermodynamic stability) indicates that this missense variant is expected to disrupt ALPK3 protein function with a positive predictive value of 80%. In summary, the available evidence is currently insufficient to determine the role of this variant in disease. Therefore, it has been classified as a Variant of Uncertain Significance.

NM_020778.5(ALPK3):c.3535G>C (p.Glu1179Gln)

Gene: ALPK3 (alpha kinase 3; plus strand). Cytogenetic location: 15q25.3.
Variant type: single nucleotide variant.
Coding change: c.3535G>C on transcript NM_020778.5 (MANE Select); coding-DNA position 3535, G replaced by C.
Protein change: p.Glu1179Gln; replaces glutamic acid 1179 with glutamine.
Molecular consequence: missense variant.
Genome position (GRCh38, 1-based): chr15:84,858,273, G>C. VCF-style: chr15-84858273-G-C. GRCh37 (hg19) VCF-style: chr15-85401504-G-C.
Other names: short protein forms E1179Q.
Identifiers: ClinVar variation 2836462 (VCV002836462.3), dbSNP rs776845827, ClinGen allele CA393360455.